The following is an entry in ClinVar:

NM_000204.5(CFI):c.1034G>A (p.Arg345Gln)

Gene: CFI (complement factor I; minus strand). Cytogenetic location: 4q25.
Variant type: single nucleotide variant.
Coding change: c.1034G>A on transcript NM_000204.5 (MANE Select); coding-DNA position 1034, G replaced by A.
Protein change: p.Arg345Gln; replaces arginine 345 with glutamine.
Molecular consequence: missense variant. On other transcripts: non-coding transcript variant (3).
Genome position (GRCh38, 1-based): chr4:109,749,509, C>T on the plus strand (G>A on the coding strand, the complement: CFI is on the minus strand). VCF-style: chr4-109749509-C-T. GRCh37 (hg19) VCF-style: chr4-110670665-C-T.
Other names: p.Arg345Gln; c.1058G>A, p.Arg353Gln (NM_001318057.2, NM_001375278.1, NM_001440988.1); c.1013G>A, p.Arg338Gln (NM_001331035.2, NM_001375280.1, NM_001375282.1 and 1 more transcripts); c.1034G>A, p.Arg345Gln (NM_001375279.1, NM_001375281.1, NM_001440989.1); c.977G>A, p.Arg326Gln (NM_001375283.1); c.425G>A, p.Arg142Gln (NM_001375284.1); c.1055G>A, p.Arg352Gln (NM_001440985.1, NM_001440986.1); c.1034G>A (NM_000204.4); short protein forms R142Q, R326Q, R338Q, R345Q, R352Q, R353Q.
Identifiers: ClinVar variation 4280536 (VCV004280536.3).
Genomic context (GRCh38, chr4:109,749,509, plus strand): 5'-ATTTAGGCTGTTTCTGGGCAGTTGCATTGTGACTTTTCATGCGACTTTACCAGTTGTGCT[C>T]GCTTTCCTCCCACAATTCGTTTCCTTCGAATGTGCATTCTGTTTTTAACTCCACAAGATA-3'
Protein context (NP_000195.3, residues 335-355): IRRKRIVGGK[Arg345Gln]AQLGDLPWQV

ClinVar aggregate classification (germline): Uncertain significance. Review status: criteria provided, multiple submitters, no conflicts (2 of 4 stars). 3 submissions from 3 submitters: Uncertain significance (3). Last evaluated 2025-09-26.

Conditions:
Atypical hemolytic-uremic syndrome with I factor anomaly. Also called: HEMOLYTIC UREMIC SYNDROME, ATYPICAL, SUSCEPTIBILITY TO, 3; AHUS, SUSCEPTIBILITY TO, 3. Identifiers: Orphanet 2134, MedGen C2752039, MONDO:0013041, OMIM 612923.
CFI-related disorder. Also called: CFI-related condition; CFI-related disorders. Identifiers: MedGen CN239325.

gnomAD v4.1: 4 of 1,612,258 alleles (0.00025%); highest among the groups gnomAD compares: Middle Eastern, 0.033%; no homozygotes.

Submissions (3):

Genomenon, Inc
Classification: Uncertain significance for CFI-related disorder. Last evaluated: 2025-09-26. Review status: criteria provided, single submitter. Criteria: Genomenon Sequence Variant Interpretation Standards - Updated. Collection method: curation. Allele origin: germline. Affected: yes.
Comment: CFI p.Arg345Gln (c.1034G>A) is a missense variant that changes the amino acid at residue 345 from Arginine to Glutamine. This variant has been observed in at least one proband affected with a CFI-related disorder (PMID:32510551). Functional studies have been reported; however, the significance of the findings remain unclear (PMID:32510551). It is absent or not present at a significant frequency in gnomAD. In conclusion, we classify CFI p.Arg345Gln (c.1034G>A) as a variant of unknown significance.

Mayo Clinic Laboratories, Mayo Clinic
Classification: Uncertain significance. Last evaluated: 2025-08-05. Review status: criteria provided, single submitter. Criteria: ACMG Guidelines, 2015. Collection method: clinical testing. Allele origin: germline. Observed: 1 variant allele.
Comment: BS3_supporting, PM2_supporting

3billion
Classification: Uncertain significance for Atypical hemolytic-uremic syndrome with I factor anomaly. Last evaluated: 2025-07-16. Review status: criteria provided, single submitter. Criteria: ACMG Guidelines, 2015. Collection method: clinical testing. Allele origin: germline. Affected: yes.
Comment: The variant is observed at an extremely low frequency in the gnomAD v4.1.0 dataset (total allele frequency: <0.001%). Predicted Consequence/Location: Missense variant. The majority of the known disease-causing variants of this gene are variants expected to result in premature termination of the protein. Damaging effect on gene or gene product predicted by in silico programs is uncertain [REVEL: 0.54 (damaging >=0.6, benign <0.4), 3Cnet: 0.23 (damaging >0.75, benign <0.1)]. The same nucleotide change resulting in the same amino acid change has been previously reported to be associated with CFI-related disorder (PMID: 18658028). However, the evidence of pathogenicity is insufficient at this time. Therefore, this variant is classified as VUS according to the recommendation of ACMG/AMP guideline.

Literature cited by the submitters: PubMed 32510551 (cited by Genomenon, Inc and Mayo Clinic Laboratories, Mayo Clinic); PubMed 18658028 (cited by Mayo Clinic Laboratories, Mayo Clinic and 3billion).